The following is an entry in ClinVar:

NM_000030.3(AGXT):c.139G>A (p.Gly47Arg)

Gene: AGXT (alanine--glyoxylate aminotransferase; plus strand). Cytogenetic location: 2q37.3.
Variant type: single nucleotide variant.
Coding change: c.139G>A on transcript NM_000030.3 (MANE Select); coding-DNA position 139, G replaced by A.
Protein change: p.Gly47Arg; replaces glycine 47 with arginine.
Molecular consequence: missense variant.
Genome position (GRCh38, 1-based): chr2:240,869,004, G>A. VCF-style: chr2-240869004-G-A. GRCh37 (hg19) VCF-style: chr2-241808421-G-A.
Other names: short protein forms G47R.
Identifiers: ClinVar variation 204076 (VCV000204076.12), dbSNP rs180177173, ClinGen allele CA275636.

ClinVar aggregate classification (germline): Pathogenic. Review status: criteria provided, multiple submitters, no conflicts (2 of 4 stars). 4 submissions from 4 submitters: Pathogenic (3). 1 of the submissions does not count toward it. Last evaluated 2026-01-09.

Conditions:
Primary hyperoxaluria, type I (HP1). Also called: GLYCOLIC ACIDURIA; HEPATIC AGT DEFICIENCY; OXALOSIS I; Primary hyperoxaluria type 1. Identifiers: Orphanet 416, Orphanet 93598, MedGen C0268164, MONDO:0009823, OMIM 259900. Disease mechanism: loss of function.

Allele frequency attached by ClinVar (database versions not stated): TOPMed below 0.00001; gnomAD 0.00003.

Submissions (4):

Labcorp Genetics (formerly Invitae), Labcorp
Classification: Pathogenic. Last evaluated: 2026-01-09. Review status: criteria provided, single submitter. Criteria: Invitae Variant Classification Sherloc (09022015). Collection method: clinical testing. Allele origin: germline.
Comment: This sequence change replaces glycine, which is neutral and non-polar, with arginine, which is basic and polar, at codon 47 of the AGXT protein (p.Gly47Arg). This variant is present in population databases (rs180177173, gnomAD 0.02%). This missense change has been observed in individual(s) with type 1 primary hyperoxaluria (PMID: 17460142, 20564000). ClinVar contains an entry for this variant (Variation ID: 204076). Invitae Evidence Modeling of protein sequence and biophysical properties (such as structural, functional, and spatial information, amino acid conservation, physicochemical variation, residue mobility, and thermodynamic stability) indicates that this missense variant is expected to disrupt AGXT protein function with a positive predictive value of 80%. Experimental studies have shown that this missense change affects AGXT function (PMID: 24718375, 26149463). For these reasons, this variant has been classified as Pathogenic.

Natera, Inc.
Classification: Pathogenic for Primary hyperoxaluria type I. Last evaluated: 2025-07-17. Review status: criteria provided, single submitter. Criteria: Natera Variant Classification Schema (03/2026). Collection method: clinical testing. Allele origin: germline.
Comment: The c.139G>A variant in AGXT is a missense variant predicted to cause substitution of glycine to arginine at amino acid 47. This variant is rare in the general population with a frequency below the threshold expected for the associated phenotype(s). This variant has been observed in one or more individuals affected with the associated recessive disease, as either homozygous or compound heterozygous with a second variant (PMID: 17460142, 20564000, 37849991). Computational prediction algorithms indicate this variant is likely to affect gene or protein function. Given the available evidence, this variant is classified as Pathogenic.

Fulgent Genetics
Classification: Pathogenic for Primary hyperoxaluria, type I. Last evaluated: 2024-06-20. Review status: criteria provided, single submitter. Criteria: ACMG Guidelines, 2015. Collection method: clinical testing. Allele origin: germline.

Clinical Biochemistry Laboratory, Health Services Laboratory
Classification: Pathogenic for Primary hyperoxaluria, type I. Last evaluated: 2014-11-27. Review status: no assertion criteria provided. Collection method: in vitro. Allele origin: germline. Affected: yes. Not counted in ClinVar's aggregate classification.

Literature cited by the submitters: PubMed 17460142 (cited by 3 submitters); PubMed 20564000 (cited by Labcorp Genetics (formerly Invitae), Labcorp and Natera, Inc.); PubMed 24718375 (cited by Labcorp Genetics (formerly Invitae), Labcorp); PubMed 26149463 (cited by Labcorp Genetics (formerly Invitae), Labcorp); PubMed 37849991 (cited by Natera, Inc.); PubMed 22923379 (cited by Clinical Biochemistry Laboratory, Health Services Laboratory).